The following is an entry in ClinVar:

NM_004064.5(CDKN1B):c.180G>C (p.Trp60Cys)

Gene: CDKN1B (cyclin dependent kinase inhibitor 1B; plus strand). Cytogenetic location: 12p13.1.
Variant type: single nucleotide variant.
Coding change: c.180G>C on transcript NM_004064.5 (MANE Select); coding-DNA position 180, G replaced by C.
Protein change: p.Trp60Cys; replaces tryptophan 60 with cysteine.
Molecular consequence: missense variant.
Genome position (GRCh38, 1-based): chr12:12,718,019, G>C. VCF-style: chr12-12718019-G-C. GRCh37 (hg19) VCF-style: chr12-12870953-G-C.
Other names: short protein forms W60C.
Identifiers: ClinVar variation 4633496 (VCV004633496.1).
Genomic context (GRCh38, chr12:12,718,019, plus strand): 5'-GTTAACCCGGGACTTGGAGAAGCACTGCAGAGACATGGAAGAGGCGAGCCAGCGCAAGTG[G>C]AATTTCGATTTTCAGAATCACAAACCCCTAGAGGGCAAGTACGAGTGGCAAGAGGTGGAG-3'
Protein context (NP_004055.1, residues 50-70): RDMEEASQRK[Trp60Cys]NFDFQNHKPL

ClinVar aggregate classification (germline): Uncertain significance (1 of 4 stars; one submission).

Conditions:
Hereditary cancer-predisposing syndrome. Also called: Neoplastic Syndromes, Hereditary; Tumor predisposition; Hereditary Cancer Syndrome; Hereditary neoplastic syndrome. Identifiers: Orphanet 140162, MedGen C0027672, MeSH D009386, MONDO:0015356.

Submission:

Ambry Genetics
Classification: Uncertain significance for Hereditary cancer-predisposing syndrome. Last evaluated: 2025-11-19. Review status: criteria provided, single submitter. Criteria: Ambry Variant Classification Scheme 2023. Collection method: clinical testing. Allele origin: germline.
Comment: The p.W60C variant (also known as c.180G>C), located in coding exon 1 of the CDKN1B gene, results from a G to C substitution at nucleotide position 180. The tryptophan at codon 60 is replaced by cysteine, an amino acid with highly dissimilar properties. This amino acid position is conserved. In addition, this alteration is predicted to be deleterious by in silico analysis. Based on the available evidence, the clinical significance of this variant remains unclear.